The following is an entry in ClinVar:

ClinVar aggregate classification (germline): Conflicting classifications of pathogenicity. Review status: criteria provided, conflicting classifications (1 of 4 stars). 4 submissions from 4 submitters: Uncertain significance (3); Benign (1). Last evaluated 2026-01-06.

Conditions:
Hereditary cancer-predisposing syndrome. Also called: Tumor predisposition; Neoplastic Syndromes, Hereditary; Hereditary Cancer Syndrome; Hereditary neoplastic syndrome. Identifiers: Orphanet 140162, MedGen C0027672, MeSH D009386, MONDO:0015356.
Multiple endocrine neoplasia type 4. Also called: MULTIPLE ENDOCRINE NEOPLASIA, TYPE IV. Identifiers: Orphanet 276152, MedGen C1970712, MONDO:0012552, OMIM 610755.

Allele frequency attached by ClinVar (database versions not stated): gnomAD exomes 0.00001 and 0.00002; ExAC 0.00002; gnomAD 0.00006 and 0.00007; TOPMed 0.00008; ESP Exome Variant Server 0.00015; 1000 Genomes Project 30x 0.00016; 1000 Genomes Project 0.00020.
gnomAD v4.1: 19 of 1,614,112 alleles (0.0012%); highest among the groups gnomAD compares: African/African-American, 0.025%; no homozygotes.

Submissions (4):

Labcorp Genetics (formerly Invitae), Labcorp
Classification: Uncertain significance for Multiple endocrine neoplasia type 4. Last evaluated: 2026-01-06. Review status: criteria provided, single submitter. Criteria: Invitae Variant Classification Sherloc (09022015). Collection method: clinical testing. Allele origin: germline.
Comment: This sequence change replaces glycine, which is neutral and non-polar, with alanine, which is neutral and non-polar, at codon 177 of the CDKN1B protein (p.Gly177Ala). This variant is present in population databases (rs146167605, gnomAD 0.03%). This variant has not been reported in the literature in individuals affected with CDKN1B-related conditions. ClinVar contains an entry for this variant (Variation ID: 404269). An algorithm developed to predict the effect of missense changes on protein structure and function outputs the following: PolyPhen-2: "Benign". The alanine amino acid residue is found in multiple mammalian species, which suggests that this missense change does not adversely affect protein function. In summary, the available evidence is currently insufficient to determine the role of this variant in disease. Therefore, it has been classified as a Variant of Uncertain Significance.

GeneDx
Classification: Uncertain significance. Last evaluated: 2024-08-07. Review status: criteria provided, single submitter. Criteria: GeneDx Variant Classification Process June 2021. Collection method: clinical testing. Allele origin: germline. Affected: yes.
Comment: In silico analysis indicates that this missense variant does not alter protein structure/function; Has not been previously published as pathogenic or benign to our knowledge

Quest Diagnostics Nichols Institute San Juan Capistrano
Classification: Uncertain significance. Last evaluated: 2022-11-01. Review status: criteria provided, single submitter. Criteria: Quest Diagnostics criteria. Collection method: clinical testing. Allele origin: unknown.
Comment: To the best of our knowledge, the variant has not been reported in the published literature. The frequency of this variant in the general population, 0.00036 (9/24950 chromosomes in African/African American subpopulation), is higher than would generally be expected for pathogenic variants in this gene. Analysis of this variant using bioinformatics tools for the prediction of the effect of amino acid changes on protein structure and function yielded predictions that this variant is benign. Based on the available information, we are unable to determine the clinical significance of this variant.

Ambry Genetics
Classification: Benign for Hereditary cancer-predisposing syndrome. Last evaluated: 2022-09-30. Review status: criteria provided, single submitter. Criteria: Ambry Variant Classification Scheme 2023. Collection method: clinical testing. Allele origin: germline.

NM_004064.5(CDKN1B):c.530G>C (p.Gly177Ala)

Gene: CDKN1B (cyclin dependent kinase inhibitor 1B; plus strand). Cytogenetic location: 12p13.1.
Variant type: single nucleotide variant.
Coding change: c.530G>C on transcript NM_004064.5 (MANE Select); coding-DNA position 530, G replaced by C.
Protein change: p.Gly177Ala; replaces glycine 177 with alanine.
Molecular consequence: missense variant.
Genome position (GRCh38, 1-based): chr12:12,718,879, G>C. VCF-style: chr12-12718879-G-C. GRCh37 (hg19) VCF-style: chr12-12871813-G-C.
Other names: short protein forms G177A.
Identifiers: ClinVar variation 404269 (VCV000404269.17), dbSNP rs146167605, ClinGen allele CA6457563.